The following is an entry in ClinVar:

NM_000053.4(ATP7B):c.1411G>A (p.Ala471Thr)

Gene: ATP7B (ATPase copper transporting beta; minus strand). Cytogenetic location: 13q14.3.
Variant type: single nucleotide variant.
Coding change: c.1411G>A on transcript NM_000053.4 (MANE Select); coding-DNA position 1411, G replaced by A.
Protein change: p.Ala471Thr; replaces alanine 471 with threonine.
Molecular consequence: missense variant. On other transcripts: intron variant (1).
Genome position (GRCh38, 1-based): chr13:51,970,624, C>T on the plus strand (G>A on the coding strand, the complement: ATP7B is on the minus strand). VCF-style: chr13-51970624-C-T. GRCh37 (hg19) VCF-style: chr13-52544760-C-T.
Other names: c.1411G>A, p.Ala471Thr (NM_001406527.1, NM_001406528.1, NM_001406531.1 and 28 more transcripts); c.1315G>A, p.Ala439Thr (NM_001406530.1, NM_001406517.1, NM_001406518.1 and 3 more transcripts); c.1078G>A, p.Ala360Thr (NM_001243182.2); c.982G>A, p.Ala328Thr (NM_001406539.1); c.1285+3311G>A (NM_001406548.1); short protein forms A328T, A360T, A439T, A471T.
Identifiers: ClinVar variation 3071088 (VCV003071088.1), dbSNP rs1951792456, ClinGen allele CA388035688.

ClinVar aggregate classification (germline): Uncertain significance (1 of 4 stars; one submission).

Conditions:
Wilson disease (WND). Also called: Wilson's disease. Identifiers: Orphanet 905, MedGen C0019202, MONDO:0010200, OMIM 277900. Disease mechanism: loss of function.

Allele frequency attached by ClinVar (database versions not stated): TOPMed below 0.00001.

Submission:

All of Us Research Program, National Institutes of Health
Classification: Uncertain significance for Wilson disease. Last evaluated: 2023-05-16. Review status: criteria provided, single submitter. Criteria: ACMG Guidelines, 2015. Collection method: clinical testing. Allele origin: germline. Inheritance: Autosomal recessive inheritance. Observed: 1 variant allele, 1 heterozygote.
Comment: This missense variant replaces alanine with threonine at codon 471 of the ATP7B protein. Computational prediction suggests that this variant may not impact protein structure and function (internally defined REVEL score threshold <= 0.5, PMID: 27666373). To our knowledge, functional studies have not been reported for this variant. This variant has not been reported in individuals affected with ATP7B-related disorders in the literature. This variant has not been identified in the general population by the Genome Aggregation Database (gnomAD). The available evidence is insufficient to determine the role of this variant in disease conclusively. Therefore, this variant is classified as a Variant of Uncertain Significance.

This study involves interpretation of variants in research participants for the purpose of population health screening. Participant phenotype was not available at the time of variant classification. Additional details can be found in publication PMID: 35346344, PMCID: PMC8962531